The following is an entry in ClinVar:

ClinVar aggregate classification (germline): Uncertain significance (1 of 4 stars; one submission).

Submission:

GeneDx
Classification: Uncertain significance. Last evaluated: 2024-05-28. Review status: criteria provided, single submitter. Criteria: GeneDx Variant Classification Process June 2021. Collection method: clinical testing. Allele origin: germline. Affected: yes.
Comment: Not observed at significant frequency in large population cohorts (gnomAD); In silico analysis indicates that this missense variant does not alter protein structure/function; Has not been previously published as pathogenic or benign to our knowledge

NM_001378974.1(FBXW11):c.1664C>G (p.Ser555Cys)

Gene: FBXW11 (F-box and WD repeat domain containing 11; minus strand). Cytogenetic location: 5q35.1.
Variant type: single nucleotide variant.
Coding change: c.1664C>G on transcript NM_001378974.1 (MANE Select); coding-DNA position 1664, C replaced by G.
Protein change: p.Ser555Cys; replaces serine 555 with cysteine.
Molecular consequence: missense variant.
Genome position (GRCh38, 1-based): chr5:171,868,663, G>C on the plus strand (C>G on the coding strand, the complement: FBXW11 is on the minus strand). VCF-style: chr5-171868663-G-C. GRCh37 (hg19) VCF-style: chr5-171295667-G-C.
Other names: c.1595C>G, p.Ser532Cys (NM_001378975.1); c.1568C>G, p.Ser523Cys (NM_001378976.1); c.1505C>G, p.Ser502Cys (NM_001378977.1, NM_001378978.1, NM_001378979.1); c.1499C>G, p.Ser500Cys (NM_001378980.1, NM_033645.3); c.1601C>G, p.Ser534Cys (NM_012300.3); c.1562C>G, p.Ser521Cys (NM_033644.3); short protein forms S500C, S502C, S521C, S523C, S532C, S534C, S555C.
Identifiers: ClinVar variation 3383636 (VCV003383636.1).